The following is an entry in ClinVar:

NM_002519.3(NPAT):c.3959G>A (p.Ser1320Asn)

Gene: NPAT (nuclear protein, coactivator of histone transcription; minus strand). Cytogenetic location: 11q22.3.
Variant type: single nucleotide variant.
Coding change: c.3959G>A on transcript NM_002519.3 (MANE Select); coding-DNA position 3959, G replaced by A.
Protein change: p.Ser1320Asn; replaces serine 1320 with asparagine.
Molecular consequence: missense variant.
Genome position (GRCh38, 1-based): chr11:108,161,127, C>T on the plus strand (G>A on the coding strand, the complement: NPAT is on the minus strand). VCF-style: chr11-108161127-C-T. GRCh37 (hg19) VCF-style: chr11-108031854-C-T.
Other names: c.3980G>A, p.Ser1327Asn (NM_001321307.1); short protein forms S1320N, S1327N.
Identifiers: ClinVar variation 3407174 (VCV003407174.1).

ClinVar aggregate classification (germline): Uncertain significance (1 of 4 stars; one submission).

Submission:

Ambry Genetics
Classification: Uncertain significance. Last evaluated: 2024-07-09. Review status: criteria provided, single submitter. Criteria: Ambry Variant Classification Scheme 2023. Collection method: clinical testing. Allele origin: germline.
Comment: The p.S1320N variant (also known as c.3959G>A), located in coding exon 17 of the NPAT gene, results from a G to A substitution at nucleotide position 3959. The serine at codon 1320 is replaced by asparagine, an amino acid with highly similar properties. This amino acid position is conserved. In addition, this alteration is predicted to be tolerated by in silico analysis. Based on the available evidence, the clinical significance of this variant remains unclear.